The following is an entry in ClinVar:

NM_144997.7(FLCN):c.1552C>A (p.Leu518Ile)

Gene: FLCN (folliculin; minus strand). Cytogenetic location: 17p11.2.
Variant type: single nucleotide variant.
Coding change: c.1552C>A on transcript NM_144997.7 (MANE Select); coding-DNA position 1552, C replaced by A.
Protein change: p.Leu518Ile; replaces leucine 518 with isoleucine.
Molecular consequence: missense variant.
Genome position (GRCh38, 1-based): chr17:17,213,843, G>T on the plus strand (C>A on the coding strand, the complement: FLCN is on the minus strand). VCF-style: chr17-17213843-G-T. GRCh37 (hg19) VCF-style: chr17-17117157-G-T.
Other names: c.1606C>A, p.Leu536Ile (NM_001353229.2); c.1552C>A, p.Leu518Ile (NM_001353230.2, NM_001353231.2); short protein forms L518I, L536I.
Identifiers: ClinVar variation 1521686 (VCV001521686.8), dbSNP rs2144812803, ClinGen allele CA398530510.

ClinVar aggregate classification (germline): Uncertain significance (1 of 4 stars; one submission).

Conditions:
Birt-Hogg-Dube syndrome. Also called: Birt Hogg Dubé syndrome. Identifiers: Orphanet 122, MedGen C0346010, MONDO:0800444.

Submission:

Labcorp Genetics (formerly Invitae), Labcorp
Classification: Uncertain significance for Birt-Hogg-Dube syndrome. Last evaluated: 2021-06-12. Review status: criteria provided, single submitter. Criteria: Invitae Variant Classification Sherloc (09022015). Collection method: clinical testing. Allele origin: germline.
Comment: In summary, the available evidence is currently insufficient to determine the role of this variant in disease. Therefore, it has been classified as a Variant of Uncertain Significance. Algorithms developed to predict the effect of sequence changes on RNA splicing suggest that this variant may create or strengthen a splice site, but this prediction has not been confirmed by published transcriptional studies. Algorithms developed to predict the effect of missense changes on protein structure and function are either unavailable or do not agree on the potential impact of this missense change (SIFT: "Tolerated"; PolyPhen-2: "Probably Damaging"; Align-GVGD: "Class C0"). This variant has not been reported in the literature in individuals with FLCN-related conditions. This variant is not present in population databases (ExAC no frequency). This sequence change replaces leucine with isoleucine at codon 518 of the FLCN protein (p.Leu518Ile). The leucine residue is highly conserved and there is a small physicochemical difference between leucine and isoleucine.